The following is an entry in ClinVar:

ClinVar aggregate classification (germline): Conflicting classifications of pathogenicity. Review status: criteria provided, conflicting classifications (1 of 4 stars). 3 submissions from 3 submitters: Uncertain significance (2); Benign (1). Last evaluated 2024-10-02.

Conditions:
Neuropathy, hereditary sensory and autonomic, type 2A (HSAN2A). Also called: WNK1-Related HSAN2 (HSAN2A); HSAN IIA; MORVAN DISEASE; NEUROPATHY, CONGENITAL SENSORY; NEUROPATHY, HEREDITARY SENSORY RADICULAR, AUTOSOMAL RECESSIVE; NEUROPATHY, HEREDITARY SENSORY, TYPE IIA. Identifiers: Orphanet 970, MedGen C2752089, MONDO:0024309, OMIM 201300.
Pseudohypoaldosteronism type 2C (PHA2C). Also called: Pseudohypoaldosteronism Type IIC. Identifiers: Orphanet 757, Orphanet 88940, MedGen C1840391, MONDO:0013778, OMIM 614492.

Allele frequency attached by ClinVar (database versions not stated): gnomAD exomes below 0.00001; TOPMed below 0.00001.
gnomAD v4.1: 3 of 1,613,908 alleles (0.00019%); highest among the groups gnomAD compares: Non-Finnish European, 0.00025%; no homozygotes.

Submissions (3):

Blueprint Genetics
Classification: Uncertain significance. Last evaluated: 2024-10-02. Review status: criteria provided, single submitter. Criteria: ACMG Guidelines, 2015. Collection method: clinical testing. Allele origin: germline.

Labcorp Genetics (formerly Invitae), Labcorp
Classification: Benign for Neuropathy, hereditary sensory and autonomic, type 2A; Pseudohypoaldosteronism type 2C. Last evaluated: 2023-07-08. Review status: criteria provided, single submitter. Criteria: Invitae Variant Classification Sherloc (09022015). Collection method: clinical testing. Allele origin: germline.

Centre for Mendelian Genomics, University Medical Centre Ljubljana
Classification: Uncertain significance for Neuropathy, hereditary sensory and autonomic, type 2A. Last evaluated: 2019-01-29. Review status: criteria provided, single submitter. Criteria: ACMG Guidelines, 2015. Collection method: clinical testing. Allele origin: unknown. Affected: yes.
Comment: This variant was classified as: Uncertain significance. The available evidence on this variant's pathogenicity is insufficient or conflicting. The following ACMG criteria were applied in classifying this variant: PM2,PP3.

NM_018979.4(WNK1):c.5572G>A (p.Gly1858Arg)

Gene: WNK1 (WNK lysine deficient protein kinase 1; plus strand). Cytogenetic location: 12p13.33.
Variant type: single nucleotide variant.
Coding change: c.5572G>A on transcript NM_018979.4 (MANE Select); coding-DNA position 5572, G replaced by A.
Protein change: p.Gly1858Arg; replaces glycine 1858 with arginine.
Molecular consequence: missense variant.
Genome position (GRCh38, 1-based): chr12:894,624, G>A. VCF-style: chr12-894624-G-A. GRCh37 (hg19) VCF-style: chr12-1003790-G-A.
Other names: c.6352G>A, p.Gly2118Arg (NM_001184985.2); c.4828G>A, p.Gly1610Arg (NM_014823.3); c.6328G>A, p.Gly2110Arg (NM_213655.5); short protein forms G2118R, G1610R, G1858R, G2110R.
Identifiers: ClinVar variation 931326 (VCV000931326.12), dbSNP rs1395162926, ClinGen allele CA383334332.
Genomic context (GRCh38, chr12:894,624, plus strand): 5'-TCTCAAGTCAAAGAAGGCCCTGTCCTAGCAACTAGTTCAGGAGCTGGTGTTTTTAAGATG[G>A]GACGATTTCAGGTAAGACAGTCACTTTGTGTTGCCTTGATTCCTTCCTTTGGAGGAGTTG-3'
Protein context (NP_061852.3, residues 1848-1868): TSSGAGVFKM[Gly1858Arg]RFQVSVAADG